The following is an entry in ClinVar:

NM_000030.3(AGXT):c.469G>T (p.Glu157Ter)

Gene: AGXT (alanine--glyoxylate aminotransferase; plus strand). Cytogenetic location: 2q37.3.
Variant type: single nucleotide variant.
Coding change: c.469G>T on transcript NM_000030.3 (MANE Select); coding-DNA position 469, G replaced by T.
Protein change: p.Glu157Ter; replaces glutamic acid 157 with a stop codon.
Molecular consequence: nonsense.
Genome position (GRCh38, 1-based): chr2:240,871,394, G>T. VCF-style: chr2-240871394-G-T. GRCh37 (hg19) VCF-style: chr2-241810811-G-T.
Other names: short protein forms E157*.
Identifiers: ClinVar variation 2671869 (VCV002671869.1), dbSNP rs1359760798, ClinGen allele CA351315916.
Genomic context (GRCh38, chr2:240,871,394, plus strand): 5'-TCCCTGCTTCCTCAGGGCCTGGCCCAGCACAAGCCAGTGCTGCTGTTCTTAACCCACGGG[G>T]AGTCGTCCACCGGCGTGCTGCAGCCCCTTGATGGCTTCGGGGAACTCTGCCACAGGTGAG-3'

ClinVar aggregate classification (germline): Pathogenic (1 of 4 stars; one submission).

Conditions:
Primary hyperoxaluria, type I (HP1). Also called: OXALOSIS I; Primary hyperoxaluria type 1; GLYCOLIC ACIDURIA; HEPATIC AGT DEFICIENCY. Identifiers: Orphanet 416, Orphanet 93598, MedGen C0268164, MONDO:0009823, OMIM 259900. Disease mechanism: loss of function.

Submission:

Thalassemia Center, San Luigi University Hospital
Classification: Pathogenic for Primary hyperoxaluria, type I. Last evaluated: 2023-10-27. Review status: criteria provided, single submitter. Criteria: ACMG Guidelines, 2015. Collection method: clinical testing. Allele origin: germline. Affected: yes.
Comment: ACMG:PVS1 PM2 PP3 PP4